The following is an entry in ClinVar:

ClinVar aggregate classification (germline): Uncertain significance (1 of 4 stars; one submission).

gnomAD v4.1: 8 of 1,614,070 alleles (0.0005%); highest among the groups gnomAD compares: Admixed American, 0.013%; no homozygotes.

Submission:

Labcorp Genetics (formerly Invitae), Labcorp
Classification: Uncertain significance. Last evaluated: 2022-08-21. Review status: criteria provided, single submitter. Criteria: Invitae Variant Classification Sherloc (09022015). Collection method: clinical testing. Allele origin: germline.
Comment: This sequence change falls in intron 10 of the BCAT2 gene. It does not directly change the encoded amino acid sequence of the BCAT2 protein. It affects a nucleotide within the consensus splice site. This variant is present in population databases (rs771397384, gnomAD 0.02%). This variant has not been reported in the literature in individuals affected with BCAT2-related conditions. Variants that disrupt the consensus splice site are a relatively common cause of aberrant splicing (PMID: 17576681, 9536098). Algorithms developed to predict the effect of sequence changes on RNA splicing suggest that this variant is not likely to affect RNA splicing. In summary, the available evidence is currently insufficient to determine the role of this variant in disease. Therefore, it has been classified as a Variant of Uncertain Significance.

Literature cited by the submitters: PubMed 17576681; PubMed 9536098.

NM_001190.4(BCAT2):c.1140+5G>A

Gene: BCAT2 (branched chain amino acid transaminase 2; minus strand). Cytogenetic location: 19q13.33.
Variant type: single nucleotide variant.
Coding change: c.1140+5G>A on transcript NM_001190.4 (MANE Select); 5 bases into the intron after coding-DNA position 1140, G replaced by A.
Molecular consequence: intron variant.
Genome position (GRCh38, 1-based): chr19:48,796,423, C>T on the plus strand (G>A on the coding strand, the complement: BCAT2 is on the minus strand). VCF-style: chr19-48796423-C-T. GRCh37 (hg19) VCF-style: chr19-49299680-C-T.
Other names: c.864+5G>A (NM_001164773.2); c.1020+5G>A (NM_001284325.2).
Identifiers: ClinVar variation 1925556 (VCV001925556.2), dbSNP rs771397384, ClinGen allele CA9558183.
Genomic context (GRCh38, chr19:48,796,423, plus strand): 5'-TCATGGGACACCAACTTCTCCAGGGAACAAGCTCCCAGCCCATTCCCCAGCTCCCTGCAG[C>T]TCACCTGGATCTCCTTCAGCTCCTTCTGGAAGCGGAGGATCAGCTCAGGCCCATTTTCCA-3'